The following is an entry in ClinVar:

NM_000377.3(WAS):c.629C>G (p.Ser210Ter)

Gene: WAS (WASP actin nucleation promoting factor; plus strand). Cytogenetic location: Xp11.23.
Variant type: single nucleotide variant.
Coding change: c.629C>G on transcript NM_000377.3 (MANE Select); coding-DNA position 629, C replaced by G.
Protein change: p.Ser210Ter; replaces serine 210 with a stop codon.
Molecular consequence: nonsense.
Genome position (GRCh38, 1-based): chrX:48,686,850, C>G. VCF-style: chrX-48686850-C-G. GRCh37 (hg19) VCF-style: chrX-48545239-C-G.
Other names: short protein forms S210*.
Identifiers: ClinVar variation 3382488 (VCV003382488.2).

ClinVar aggregate classification (germline): Pathogenic (1 of 4 stars; one submission).

Conditions:
Wiskott-Aldrich syndrome (WAS). Also called: ALDRICH SYNDROME; IMMUNODEFICIENCY 2; Wiskott-aldrich syndrome, somatic; WISKOTT-ALDRICH SYNDROME 1. Identifiers: Orphanet 906, MedGen C0043194, MONDO:0010518, OMIM 301000.
X-linked severe congenital neutropenia (SCNX). Identifiers: Orphanet 86788, MedGen C1845987, MONDO:0010294, OMIM 300299.
Thrombocytopenia 1. Also called: X-Linked Thrombocytopenia (XLT); THROMBOCYTOPENIA, X-LINKED, 1; X-linked thrombocytopenia with normal platelets. Identifiers: Orphanet 268322, Orphanet 852, MedGen C1839163, MONDO:0010743, OMIM 313900.

Submission:

Juno Genomics, Hangzhou Juno Genomics, Inc
Classification: Pathogenic for X-linked severe congenital neutropenia; Thrombocytopenia 1; Wiskott-Aldrich syndrome. Review status: criteria provided, single submitter. Criteria: ACMG Guidelines, 2015. Collection method: clinical testing. Allele origin: germline. Affected: yes.
Comment: Null variant in a gene where loss of function (LOF) is a known mechanism of disease.;Absent from controls (or at extremely low frequency if recessive) in Genome Aggregation Database, Exome Sequencing Project, 1000 Genomes Project, or Exome Aggregation Consortium.;Patient's phenotype or family history is highly specific for a disease with a single genetic etiology.